The following is an entry in ClinVar:

ClinVar aggregate classification (germline): Uncertain significance (1 of 4 stars; one submission).

Conditions:
Marfan syndrome (MFS). Also called: FBN1-Related Marfan Syndrome; MARFAN SYNDROME, TYPE I; Marfan syndrome type 1; Marfan's syndrome; Marfan syndrome, classic. Identifiers: Orphanet 284963, Orphanet 558, MedGen C0024796, MONDO:0007947, OMIM 154700.
Familial thoracic aortic aneurysm and aortic dissection (TAAD). Also called: Thoracic aortic aneurysms and dissections. Identifiers: Orphanet 91387, MedGen C4707243, MONDO:0019625.

Submission:

Labcorp Genetics (formerly Invitae), Labcorp
Classification: Uncertain significance for Marfan syndrome; Familial thoracic aortic aneurysm and aortic dissection. Last evaluated: 2026-01-12. Review status: criteria provided, single submitter. Criteria: Invitae Variant Classification Sherloc (09022015). Collection method: clinical testing. Allele origin: germline.
Comment: This sequence change replaces serine, which is neutral and polar, with proline, which is neutral and non-polar, at codon 95 of the FBN1 protein (p.Ser95Pro). This variant is not present in population databases (gnomAD no frequency). This missense change has been observed in individual(s) with clinical features of Marfan syndrome (internal data). Invitae Evidence Modeling of protein sequence and biophysical properties (such as structural, functional, and spatial information, amino acid conservation, physicochemical variation, residue mobility, and thermodynamic stability) indicates that this missense variant is expected to disrupt FBN1 protein function with a positive predictive value of 95%. In summary, the available evidence is currently insufficient to determine the role of this variant in disease. Therefore, it has been classified as a Variant of Uncertain Significance.

NM_000138.5(FBN1):c.283T>C (p.Ser95Pro)

Gene: FBN1 (fibrillin 1; minus strand). Cytogenetic location: 15q21.1.
Variant type: single nucleotide variant.
Coding change: c.283T>C on transcript NM_000138.5 (MANE Select); coding-DNA position 283, T replaced by C.
Protein change: p.Ser95Pro; replaces serine 95 with proline.
Molecular consequence: missense variant.
Genome position (GRCh38, 1-based): chr15:48,610,791, A>G on the plus strand (T>C on the coding strand, the complement: FBN1 is on the minus strand). VCF-style: chr15-48610791-A-G. GRCh37 (hg19) VCF-style: chr15-48902988-A-G.
Other names: c.283T>C, p.Ser95Pro (NM_001406716.1, NM_001406717.1); short protein forms S95P.
Identifiers: ClinVar variation 4789676 (VCV004789676.1).
Genomic context (GRCh38, chr15:48,610,791, plus strand): 5'-ATCTGGAGCCACAGGAAGGAGCTATCTGACCAGATGGGCAAGTGCACATATTTGGCCTCG[A>G]ACAAAATCCATCCCCACAGGAATGCCGGCAAATGGCTGTGAATAAACCAGAGGTCTGTTA-3'
Protein context (NP_000129.3, residues 85-105): CRHSCGDGFC[Ser95Pro]RPNMCTCPSG